The following is an entry in ClinVar:

NM_004204.5(PIGQ):c.1024C>T (p.Gln342Ter)

Gene: PIGQ (phosphatidylinositol glycan anchor biosynthesis class Q; plus strand). Cytogenetic location: 16p13.3.
Variant type: single nucleotide variant.
Coding change: c.1024C>T on transcript NM_004204.5 (MANE Select); coding-DNA position 1024, C replaced by T.
Protein change: p.Gln342Ter; replaces glutamine 342 with a stop codon.
Molecular consequence: nonsense.
Genome position (GRCh38, 1-based): chr16:578,460, C>T. VCF-style: chr16-578460-C-T. GRCh37 (hg19) VCF-style: chr16-628460-C-T.
Other names: c.1024C>T, p.Gln342Ter (NM_148920.4); short protein forms Q342*.
Identifiers: ClinVar variation 1365801 (VCV001365801.6), dbSNP rs2151047073, ClinGen allele CA394055952.

ClinVar aggregate classification (germline): Pathogenic (1 of 4 stars; one submission).

Conditions:
Epilepsy. Also called: Seizure disorder. Identifiers: MedGen C0014544, MeSH D004827, MONDO:0005027.

gnomAD v4.1: 2 of 1,612,766 alleles (0.00012%); highest among the groups gnomAD compares: Non-Finnish European, 0.00017%; no homozygotes.

Submission:

Labcorp Genetics (formerly Invitae), Labcorp
Classification: Pathogenic for Epilepsy. Last evaluated: 2024-10-07. Review status: criteria provided, single submitter. Criteria: Invitae Variant Classification Sherloc (09022015). Collection method: clinical testing. Allele origin: germline.
Comment: This sequence change creates a premature translational stop signal (p.Gln342*) in the PIGQ gene. It is expected to result in an absent or disrupted protein product. Loss-of-function variants in PIGQ are known to be pathogenic (PMID: 24463883, 25558065). This variant is not present in population databases (gnomAD no frequency). This variant has not been reported in the literature in individuals affected with PIGQ-related conditions. ClinVar contains an entry for this variant (Variation ID: 1365801). For these reasons, this variant has been classified as Pathogenic.

Literature cited by the submitters: PubMed 24463883; PubMed 25558065.